The following is an entry in ClinVar:

ClinVar aggregate classification (germline): Uncertain significance. Review status: criteria provided, multiple submitters, no conflicts (2 of 4 stars). 2 submissions from 2 submitters: Uncertain significance (2). Last evaluated 2025-06-07.

gnomAD v4.1: 54 of 1,613,140 alleles (0.0033%); highest among the groups gnomAD compares: Middle Eastern, 0.016%; no homozygotes.

Submissions (2):

Ambry Genetics
Classification: Uncertain significance. Last evaluated: 2025-06-07. Review status: criteria provided, single submitter. Criteria: Ambry Variant Classification Scheme 2023. Collection method: clinical testing. Allele origin: germline.

Labcorp Genetics (formerly Invitae), Labcorp
Classification: Uncertain significance. Last evaluated: 2024-09-11. Review status: criteria provided, single submitter. Criteria: Invitae Variant Classification Sherloc (09022015). Collection method: clinical testing. Allele origin: germline.
Comment: This sequence change replaces glutamic acid, which is acidic and polar, with aspartic acid, which is acidic and polar, at codon 690 of the TNS2 protein (p.Glu690Asp). This variant is present in population databases (rs765499208, gnomAD 0.004%). This variant has not been reported in the literature in individuals affected with TNS2-related conditions. An algorithm developed to predict the effect of missense changes on protein structure and function (PolyPhen-2) suggests that this variant is likely to be disruptive. In summary, the available evidence is currently insufficient to determine the role of this variant in disease. Therefore, it has been classified as a Variant of Uncertain Significance.

NM_170754.4(TNS2):c.2040G>C (p.Glu680Asp)

Gene: TNS2 (tensin 2; plus strand). Cytogenetic location: 12q13.13.
Variant type: single nucleotide variant.
Coding change: c.2040G>C on transcript NM_170754.4 (MANE Select); coding-DNA position 2040, G replaced by C.
Protein change: p.Glu680Asp; replaces glutamic acid 680 with aspartic acid.
Molecular consequence: missense variant.
Genome position (GRCh38, 1-based): chr12:53,059,681, G>C. VCF-style: chr12-53059681-G-C. GRCh37 (hg19) VCF-style: chr12-53453465-G-C.
Other names: c.2040G>C, p.Glu680Asp (NM_001416202.1); c.1998G>C, p.Glu666Asp (NM_001416203.1); c.2067G>C, p.Glu689Asp (NM_001416204.1); c.1971G>C, p.Glu657Asp (NM_015319.3); c.1668G>C, p.Glu556Asp (NM_198316.2); c.2070G>C (NM_015319.2); short protein forms E556D, E680D, E666D, E657D, E689D.
Identifiers: ClinVar variation 3698875 (VCV003698875.3).